The following is an entry in ClinVar:

NM_005321.3(H1-4):c.210C>T (p.Gly70=)

Gene: H1-4 (H1.4 linker histone, cluster member; plus strand). Cytogenetic location: 6p22.2.
Variant type: single nucleotide variant.
Coding change: c.210C>T on transcript NM_005321.3 (MANE Select); coding-DNA position 210, C replaced by T.
Protein change: p.Gly70=; no amino-acid change (glycine 70 retained).
Molecular consequence: synonymous variant.
Genome position (GRCh38, 1-based): chr6:26,156,600, C>T. VCF-style: chr6-26156600-C-T. GRCh37 (hg19) VCF-style: chr6-26156828-C-T.
Other names: c.210C>T (NM_005321.2).
Identifiers: ClinVar variation 2673046 (VCV002673046.24), dbSNP rs368208204, ClinGen allele CA3667972.

ClinVar aggregate classification (germline): Likely benign. Review status: criteria provided, single submitter (1 of 4 stars). 2 submissions from 2 submitters: Likely benign (1). 1 of the submissions does not count toward it. Last evaluated 2023-11-01.

Conditions:
H1-4-related disorder. Also called: H1-4-related condition.

Allele frequency attached by ClinVar (database versions not stated): ESP Exome Variant Server 0.00008; TOPMed 0.00009; gnomAD 0.00011; gnomAD exomes 0.00012; ExAC 0.00019.

Submissions (2):

CeGaT Center for Human Genetics Tuebingen
Classification: Likely benign. Last evaluated: 2023-11-01. Review status: criteria provided, single submitter. Criteria: CeGaT Center For Human Genetics Tuebingen Variant Classification Criteria Version 2. Collection method: clinical testing. Allele origin: germline. Affected: yes. Observed: 1 variant allele.
Comment: H1-4: BP4

PreventionGenetics, part of Exact Sciences
Classification: Likely benign for H1-4-related condition. Last evaluated: 2020-04-01. Review status: no assertion criteria provided. Collection method: clinical testing. Allele origin: germline. Not counted in ClinVar's aggregate classification.
Comment: This variant is classified as likely benign based on ACMG/AMP sequence variant interpretation guidelines (Richards et al. 2015 PMID: 25741868, with internal and published modifications).